The following is an entry in ClinVar:

NM_182919.4(TICAM1):c.1973C>T (p.Pro658Leu)

Gene: TICAM1 (TIR domain containing adaptor molecule 1; minus strand). Cytogenetic location: 19p13.3.
Variant type: single nucleotide variant.
Coding change: c.1973C>T on transcript NM_182919.4 (MANE Select); coding-DNA position 1973, C replaced by T.
Protein change: p.Pro658Leu; replaces proline 658 with leucine.
Molecular consequence: missense variant.
Genome position (GRCh38, 1-based): chr19:4,816,405, G>A on the plus strand (C>T on the coding strand, the complement: TICAM1 is on the minus strand). VCF-style: chr19-4816405-G-A. GRCh37 (hg19) VCF-style: chr19-4816417-G-A.
Other names: c.1931C>T, p.Pro644Leu (NM_001385678.1); c.1838C>T, p.Pro613Leu (NM_001385679.1); c.1331C>T, p.Pro444Leu (NM_001385680.1); short protein forms P444L, P613L, P644L, P658L.
Identifiers: ClinVar variation 1021957 (VCV001021957.6), dbSNP rs148396522, ClinGen allele CA9105023.

ClinVar aggregate classification (germline): Uncertain significance (1 of 4 stars; one submission).

Conditions:
Encephalopathy, acute, infection-induced (herpes-specific), susceptibility to, 6. Also called: Herpes simplex encephalitis, susceptibility to, 4. Identifiers: Orphanet 1930, MedGen C3553869, MONDO:0013921, OMIM 614850.

Allele frequency attached by ClinVar (database versions not stated): gnomAD 0.00005 and 0.00006; 1000 Genomes Project 0.00020; ESP Exome Variant Server 0.00008; TOPMed 0.00012; 1000 Genomes Project 30x 0.00016.
gnomAD v4.1: 52 of 1,570,466 alleles (0.0033%); highest among the groups gnomAD compares: Admixed American, 0.031%; no homozygotes.

Submission:

Labcorp Genetics (formerly Invitae), Labcorp
Classification: Uncertain significance for Encephalopathy, acute, infection-induced (herpes-specific), susceptibility to, 6. Last evaluated: 2025-12-14. Review status: criteria provided, single submitter. Criteria: Invitae Variant Classification Sherloc (09022015). Collection method: clinical testing. Allele origin: germline.
Comment: This sequence change replaces proline, which is neutral and non-polar, with leucine, which is neutral and non-polar, at codon 658 of the TICAM1 protein (p.Pro658Leu). This variant is present in population databases (rs148396522, gnomAD 0.04%). This variant has not been reported in the literature in individuals affected with TICAM1-related conditions. ClinVar contains an entry for this variant (Variation ID: 1021957). An algorithm developed to predict the effect of missense changes on protein structure and function (PolyPhen-2) suggests that this variant is likely to be disruptive. In summary, the available evidence is currently insufficient to determine the role of this variant in disease. Therefore, it has been classified as a Variant of Uncertain Significance.